The following is an entry in ClinVar:

ClinVar aggregate classification (germline): Uncertain significance. Review status: criteria provided, multiple submitters, no conflicts (2 of 4 stars). 2 submissions from 2 submitters: Uncertain significance (2). Last evaluated 2024-11-25.

Conditions:
Long QT syndrome (LQTS). Identifiers: MedGen C0023976, MeSH D008133, MONDO:0002442. Disease mechanism: loss of function. Inheritance: Various modes of inheritance.
Long QT syndrome 11 (LQT11). Identifiers: Orphanet 101016, Orphanet 768, MedGen C2678483, MONDO:0012738, OMIM 611820.

Allele frequency attached by ClinVar (database versions not stated): TOPMed below 0.00001; gnomAD 0.00001.
gnomAD v4.1: 3 of 1,612,788 alleles (0.00019%); highest among the groups gnomAD compares: Non-Finnish European, 0.00025%; no homozygotes.

Submissions (2):

Labcorp Genetics (formerly Invitae), Labcorp
Classification: Uncertain significance for Long QT syndrome. Last evaluated: 2024-11-25. Review status: criteria provided, single submitter. Criteria: Invitae Variant Classification Sherloc (09022015). Collection method: clinical testing. Allele origin: germline.
Comment: This sequence change replaces threonine, which is neutral and polar, with isoleucine, which is neutral and non-polar, at codon 1392 of the AKAP9 protein (p.Thr1392Ile). This variant is present in population databases (no rsID available, gnomAD 0.0009%). This variant has not been reported in the literature in individuals affected with AKAP9-related conditions. ClinVar contains an entry for this variant (Variation ID: 1709096). An algorithm developed to predict the effect of missense changes on protein structure and function (PolyPhen-2) suggests that this variant is likely to be tolerated. In summary, the available evidence is currently insufficient to determine the role of this variant in disease. Therefore, it has been classified as a Variant of Uncertain Significance.

MGZ Medical Genetics Center
Classification: Uncertain significance for Long QT syndrome 11. Last evaluated: 2022-01-18. Review status: criteria provided, single submitter. Criteria: ACMG Guidelines, 2015. Collection method: clinical testing. Allele origin: germline. Affected: yes. Observed: 1 variant allele.
Comment: ACMG criteria applied: PM2_SUP, BP4

NM_005751.5(AKAP9):c.4175C>T (p.Thr1392Ile)

Gene: AKAP9 (A-kinase anchoring protein 9; plus strand). Cytogenetic location: 7q21.2.
Variant type: single nucleotide variant.
Coding change: c.4175C>T on transcript NM_005751.5 (MANE Select); coding-DNA position 4175, C replaced by T.
Protein change: p.Thr1392Ile; replaces threonine 1392 with isoleucine.
Molecular consequence: missense variant.
Genome position (GRCh38, 1-based): chr7:92,029,921, C>T. VCF-style: chr7-92029921-C-T. GRCh37 (hg19) VCF-style: chr7-91659235-C-T.
Other names: c.4175C>T, p.Thr1392Ile (NM_147185.3); short protein forms T1392I.
Identifiers: ClinVar variation 1709096 (VCV001709096.7), dbSNP rs952371686, ClinGen allele CA161891264.
Genomic context (GRCh38, chr7:92,029,921, plus strand): 5'-CTCTAATTCTTTAACCTTTTTTATTTATATTCAGCTTACCTGTTGATTCGGTGGTAATTA[C>T]AGAATCTGATGCACAGAGAACAATGTACCCTGGAAGTTGTGTGAAAAAGAATATTGATGG-3'
Protein context (NP_005742.4, residues 1382-1402): PSLPVDSVVI[Thr1392Ile]ESDAQRTMYP